The following is an entry in ClinVar:

NM_002458.3(MUC5B):c.5619C>T (p.Asn1873=)

Genes: MUC5B (mucin 5B, oligomeric mucus/gel-forming; plus strand), MUC5B-AS1 (MUC5B antisense RNA 1; minus strand). Cytogenetic location: 11p15.5.
Variant type: single nucleotide variant.
Coding change: c.5619C>T on transcript NM_002458.3 (MANE Select); coding-DNA position 5619, C replaced by T.
Protein change: p.Asn1873=; no amino-acid change (asparagine 1873 retained).
Molecular consequence: synonymous variant. On other transcripts: non-coding transcript variant (1).
Genome position (GRCh38, 1-based): chr11:1,242,499, C>T. VCF-style: chr11-1242499-C-T. GRCh37 (hg19) VCF-style: chr11-1263729-C-T.
Identifiers: ClinVar variation 3352522 (VCV003352522.1).
Genomic context (GRCh38, chr11:1,242,499, plus strand): 5'-GGGGCTGACCTGCAAGAACGAAGACCAGACAGGCAGGTTCAACATGTGCTTCAACTACAA[C>T]GTGCGTGTGCTTTGCTGTGACGACTACAGCCACTGCCCCAGTACCCCAGCCACCAGCTCC-3'
Protein context (NP_002449.2, residues 1863-1883): TGRFNMCFNY[Asn1873=]VRVLCCDDYS

ClinVar aggregate classification (germline): Likely benign (0 of 4 stars; one submission).

Conditions:
MUC5B-related disorder. Also called: MUC5B-related condition.

gnomAD v4.1: 206 of 1,613,694 alleles (0.013%); highest among the groups gnomAD compares: Non-Finnish European, 0.017%; no homozygotes.

Submission:

PreventionGenetics, part of Exact Sciences
Classification: Likely benign for MUC5B-related condition. Last evaluated: 2024-04-15. Review status: no assertion criteria provided. Collection method: clinical testing. Allele origin: germline.
Comment: This variant is classified as likely benign based on ACMG/AMP sequence variant interpretation guidelines (Richards et al. 2015 PMID: 25741868, with internal and published modifications).